The following is an entry in ClinVar:

ClinVar aggregate classification (germline): Benign (0 of 4 stars; one submission).

Conditions:
MVD-related disorder. Also called: MVD-related condition.

Allele frequency attached by ClinVar (database versions not stated): gnomAD 0.02804; TOPMed 0.03051; ESP Exome Variant Server 0.03214; 1000 Genomes Project 0.03275; ExAC 0.01077; 1000 Genomes Project 30x 0.03529.
gnomAD v4.1: 7,894 of 1,604,766 alleles (0.49%); highest among the groups gnomAD compares: African/African-American, 9.4%; 347 homozygotes.

Submissions (25):

PreventionGenetics, part of Exact Sciences
Classification: Benign for MVD-related condition. Last evaluated: 2020-01-06. Review status: no assertion criteria provided. Collection method: clinical testing. Allele origin: germline.
Comment: This variant is classified as benign based on ACMG/AMP sequence variant interpretation guidelines (Richards et al. 2015 PMID: 25741868, with internal and published modifications).

Dr. Peter K. Rogan Lab, Western University
No classification provided (evidence only). Condition: Lung cancer. Review status: no classification provided. Collection method: in vitro. Allele origin: not applicable. Functional consequence: retained intron. Not counted in ClinVar's aggregate classification.

Dr. Peter K. Rogan Lab, Western University
No classification provided (evidence only). Condition: Lung cancer. Review status: no classification provided. Collection method: in vitro. Allele origin: not applicable. Functional consequence: retained intron. Not counted in ClinVar's aggregate classification.

Dr. Peter K. Rogan Lab, Western University
No classification provided (evidence only). Condition: Lung cancer. Review status: no classification provided. Collection method: in vitro. Allele origin: not applicable. Functional consequence: retained intron. Not counted in ClinVar's aggregate classification.

Dr. Peter K. Rogan Lab, Western University
No classification provided (evidence only). Condition: Acute myeloid leukemia. Review status: no classification provided. Collection method: in vitro. Allele origin: not applicable. Functional consequence: retained intron. Not counted in ClinVar's aggregate classification.

Dr. Peter K. Rogan Lab, Western University
No classification provided (evidence only). Condition: Acute myeloid leukemia. Review status: no classification provided. Collection method: in vitro. Allele origin: not applicable. Functional consequence: retained intron. Not counted in ClinVar's aggregate classification.

Dr. Peter K. Rogan Lab, Western University
No classification provided (evidence only). Condition: Uterine corpus endometrial carcinoma. Review status: no classification provided. Collection method: in vitro. Allele origin: not applicable. Functional consequence: retained intron. Not counted in ClinVar's aggregate classification.

Dr. Peter K. Rogan Lab, Western University
No classification provided (evidence only). Condition: Uterine corpus endometrial carcinoma. Review status: no classification provided. Collection method: in vitro. Allele origin: not applicable. Functional consequence: retained intron. Not counted in ClinVar's aggregate classification.

Dr. Peter K. Rogan Lab, Western University
No classification provided (evidence only). Condition: Uterine corpus endometrial carcinoma. Review status: no classification provided. Collection method: in vitro. Allele origin: not applicable. Functional consequence: retained intron. Not counted in ClinVar's aggregate classification.

Dr. Peter K. Rogan Lab, Western University
No classification provided (evidence only). Condition: Uterine corpus endometrial carcinoma. Review status: no classification provided. Collection method: in vitro. Allele origin: not applicable. Functional consequence: retained intron. Not counted in ClinVar's aggregate classification.

Dr. Peter K. Rogan Lab, Western University
No classification provided (evidence only). Condition: Uterine corpus endometrial carcinoma. Review status: no classification provided. Collection method: in vitro. Allele origin: not applicable. Functional consequence: retained intron. Not counted in ClinVar's aggregate classification.

Dr. Peter K. Rogan Lab, Western University
No classification provided (evidence only). Condition: Uterine corpus endometrial carcinoma. Review status: no classification provided. Collection method: in vitro. Allele origin: not applicable. Functional consequence: retained intron. Not counted in ClinVar's aggregate classification.

Dr. Peter K. Rogan Lab, Western University
No classification provided (evidence only). Condition: Cervical cancer. Review status: no classification provided. Collection method: in vitro. Allele origin: not applicable. Functional consequence: retained intron. Not counted in ClinVar's aggregate classification.

Dr. Peter K. Rogan Lab, Western University
No classification provided (evidence only). Condition: Cervical cancer. Review status: no classification provided. Collection method: in vitro. Allele origin: not applicable. Functional consequence: retained intron. Not counted in ClinVar's aggregate classification.

Dr. Peter K. Rogan Lab, Western University
No classification provided (evidence only). Condition: Cervical cancer. Review status: no classification provided. Collection method: in vitro. Allele origin: not applicable. Functional consequence: retained intron. Not counted in ClinVar's aggregate classification.

Dr. Peter K. Rogan Lab, Western University
No classification provided (evidence only). Condition: Cervical cancer. Review status: no classification provided. Collection method: in vitro. Allele origin: not applicable. Functional consequence: retained intron. Not counted in ClinVar's aggregate classification.

Dr. Peter K. Rogan Lab, Western University
No classification provided (evidence only). Condition: Cervical cancer. Review status: no classification provided. Collection method: in vitro. Allele origin: not applicable. Functional consequence: retained intron. Not counted in ClinVar's aggregate classification.

Dr. Peter K. Rogan Lab, Western University
No classification provided (evidence only). Condition: Cervical cancer. Review status: no classification provided. Collection method: in vitro. Allele origin: not applicable. Functional consequence: retained intron. Not counted in ClinVar's aggregate classification.

Dr. Peter K. Rogan Lab, Western University
No classification provided (evidence only). Condition: Cervical cancer. Review status: no classification provided. Collection method: in vitro. Allele origin: not applicable. Functional consequence: retained intron. Not counted in ClinVar's aggregate classification.

Dr. Peter K. Rogan Lab, Western University
No classification provided (evidence only). Condition: Cervical cancer. Review status: no classification provided. Collection method: in vitro. Allele origin: not applicable. Functional consequence: retained intron. Not counted in ClinVar's aggregate classification.

Dr. Peter K. Rogan Lab, Western University
No classification provided (evidence only). Condition: Cervical cancer. Review status: no classification provided. Collection method: in vitro. Allele origin: not applicable. Functional consequence: retained intron. Not counted in ClinVar's aggregate classification.

Dr. Peter K. Rogan Lab, Western University
No classification provided (evidence only). Condition: Sarcoma. Review status: no classification provided. Collection method: in vitro. Allele origin: not applicable. Functional consequence: retained intron. Not counted in ClinVar's aggregate classification.

Dr. Peter K. Rogan Lab, Western University
No classification provided (evidence only). Condition: Gastric cancer. Review status: no classification provided. Collection method: in vitro. Allele origin: not applicable. Functional consequence: retained intron. Not counted in ClinVar's aggregate classification.

Dr. Peter K. Rogan Lab, Western University
No classification provided (evidence only). Condition: Gastric cancer. Review status: no classification provided. Collection method: in vitro. Allele origin: not applicable. Functional consequence: retained intron. Not counted in ClinVar's aggregate classification.

Dr. Peter K. Rogan Lab, Western University
No classification provided (evidence only). Condition: Malignant tumor of esophagus. Review status: no classification provided. Collection method: in vitro. Allele origin: not applicable. Functional consequence: retained intron. Not counted in ClinVar's aggregate classification.

NM_002461.3(MVD):c.1014-8T>G

Gene: MVD (mevalonate diphosphate decarboxylase; minus strand). Cytogenetic location: 16q24.2.
Variant type: single nucleotide variant.
Coding change: c.1014-8T>G on transcript NM_002461.3 (MANE Select); 8 bases into the intron before coding-DNA position 1014, T replaced by G.
Molecular consequence: intron variant.
Genome position (GRCh38, 1-based): chr16:88,653,416, A>C on the plus strand (T>G on the coding strand, the complement: MVD is on the minus strand). VCF-style: chr16-88653416-A-C. GRCh37 (hg19) VCF-style: chr16-88719824-A-C.
Other names: NC_000016.9:g.88719824A>C.
Identifiers: ClinVar variation 3055645 (VCV003055645.3), dbSNP rs79325107, ClinGen allele CA8228640.
Genomic context (GRCh38, chr16:88,653,416, plus strand): 5'-CCTGAAGCTCAGCTGAGAGAGGGGCCGGCCTCACCTGCAGCCCCTTCAGAAACCTGGAAA[A>C]GCAGGGCAGGGGCACGGTGAATGCATCCGTTTCTCTAAGCGTCTACAACAGTCTACAACA-3'